The following is an entry in ClinVar:

ClinVar aggregate classification (germline): Pathogenic. Review status: criteria provided, multiple submitters, no conflicts (2 of 4 stars). 7 submissions from 7 submitters: Pathogenic (2). 5 of the submissions do not count toward it. Last evaluated 2025-10-31.

Conditions:
Hereditary cancer-predisposing syndrome. Also called: Tumor predisposition; Hereditary neoplastic syndrome; Hereditary Cancer Syndrome; Neoplastic Syndromes, Hereditary. Identifiers: Orphanet 140162, MedGen C0027672, MeSH D009386, MONDO:0015356.
Hereditary pheochromocytoma and paraganglioma. Also called: Hereditary paragangliomas and pheochromocytomas; Hereditary pheochromocytoma-paraganglioma; Hereditary Paraganglioma-Pheochromocytoma Syndromes. Identifiers: Orphanet 29072, MedGen C4274332, MONDO:0017366.
Pheochromocytoma/paraganglioma syndrome 1. Also called: Paraganglioma - glomus jugulare; PARAGANGLIOMATA; PARAGANGLIOMAS, FAMILIAL NONCHROMAFFIN, 1; PGL 1; Paragangliomas familial 1; Paragangliomas 1. Identifiers: Orphanet 29072, MedGen C3494181, MONDO:0008192, OMIM 168000.

Submissions (7):

Ambry Genetics
Classification: Pathogenic for Hereditary cancer-predisposing syndrome. Last evaluated: 2025-10-31. Review status: criteria provided, single submitter. Criteria: Ambry Variant Classification Scheme 2023. Collection method: clinical testing. Allele origin: germline.
Comment: The p.L139P pathogenic mutation (also known as c.416T>C), located in coding exon 4 of the SDHD gene, results from a T to C substitution at nucleotide position 416. The leucine at codon 139 is replaced by proline, an amino acid with similar properties. This variant was reported as the founder mutation in individual(s) with features consistent with SDHD-related hereditary pheochromocytoma-paraganglioma (Taschner PE et al. Genes Chromosomes Cancer, 2001 Jul;31:274-8; Dannenberg H et al. Clin Cancer Res, 2002 Jul;8:2061-6; Oudijk L et al. Mod Pathol, 2013 Mar;26:456-63; van Hulsteijn LT et al. Clin Endocrinol (Oxf), 2013 Dec;79:824-31; Richter S et al. Genet Med, 2019 Mar;21:705-717; Ambry internal data). This amino acid position is highly conserved in available vertebrate species. In addition, this alteration is predicted to be deleterious by in silico analysis. This variant is considered to be rare based on population cohorts in the Genome Aggregation Database (gnomAD). Based on the supporting evidence, this variant is interpreted as a disease-causing mutation.

Myriad Genetics, Inc.
Classification: Pathogenic for Pheochromocytoma/paraganglioma syndrome 1. Last evaluated: 2025-09-04. Review status: criteria provided, single submitter. Criteria: Myriad Autosomal Dominant, Autosomal Recessive and X-Linked Classification Criteria (2023). Collection method: clinical testing. Allele origin: unknown.
Comment: This variant is considered pathogenic. This variant has been reported in multiple individuals with clinical features of gene-specific disease [PMID: 19576851, 25412673, 11391798, 29777207, 31492822, 21348866]. This variant is expected to disrupt protein structure [Myriad internal data].

OMIM
Classification: Pathogenic for PHEOCHROMOCYTOMA/PARAGANGLIOMA SYNDROME 1. Last evaluated: 2001-07-01. Review status: no assertion criteria provided. Collection method: literature only. Allele origin: germline. Not counted in ClinVar's aggregate classification.

Diagnostic Laboratory, Department of Genetics, University Medical Center Groningen
Classification: Pathogenic. Review status: no assertion criteria provided. Collection method: clinical testing. Allele origin: germline. Affected: yes. Study: VKGL Data-share Consensus. Not counted in ClinVar's aggregate classification.

GeneReviews
No classification provided. Condition: Hereditary pheochromocytoma and paraganglioma. Review status: no classification provided. Collection method: literature only. Allele origin: unknown. Not counted in ClinVar's aggregate classification.

Genome Diagnostics Laboratory, Amsterdam University Medical Center
Classification: Pathogenic. Review status: no assertion criteria provided. Collection method: clinical testing. Allele origin: germline. Affected: yes. Study: VKGL Data-share Consensus. Not counted in ClinVar's aggregate classification.

Joint Genome Diagnostic Labs from Nijmegen and Maastricht, Radboudumc and MUMC+
Classification: Pathogenic. Review status: no assertion criteria provided. Collection method: clinical testing. Allele origin: germline. Affected: yes. Study: VKGL Data-share Consensus. Not counted in ClinVar's aggregate classification.

Literature cited by the submitters: PubMed 11391798 (cited by 4 submitters); PubMed 12114404 (cited by Ambry Genetics and GeneReviews); PubMed 19289533 (cited by Ambry Genetics); PubMed 23174939 (cited by Ambry Genetics); PubMed 23586964 (cited by Ambry Genetics); PubMed 30050099 (cited by Ambry Genetics); PubMed 19576851 (cited by Myriad Genetics, Inc.); PubMed 25412673 (cited by Myriad Genetics, Inc.); PubMed 29777207 (cited by Myriad Genetics, Inc.); PubMed 31492822 (cited by Myriad Genetics, Inc.); PubMed 21348866 (cited by Myriad Genetics, Inc.); PubMed 20301715 (cited by GeneReviews); NCBI Bookshelf NBK1548 (cited by GeneReviews).

NM_003002.4(SDHD):c.416T>C (p.Leu139Pro)

Gene: SDHD (succinate dehydrogenase complex subunit D; plus strand). Cytogenetic location: 11q23.1.
Variant type: single nucleotide variant.
Coding change: c.416T>C on transcript NM_003002.4 (MANE Select); coding-DNA position 416, T replaced by C.
Protein change: p.Leu139Pro; replaces leucine 139 with proline.
Molecular consequence: missense variant. On other transcripts: 3 prime UTR variant (2), non-coding transcript variant (1).
Genome position (GRCh38, 1-based): chr11:112,094,906, T>C. VCF-style: chr11-112094906-T-C. GRCh37 (hg19) VCF-style: chr11-111965630-T-C.
Other names: c.416T>C (NM_003002.2); c.*13T>C (NM_001276503.2); c.299T>C, p.Leu100Pro (NM_001276504.2); c.*114T>C (NM_001276506.2); short protein forms L139P, L100P.
Identifiers: ClinVar variation 6907 (VCV000006907.14), dbSNP rs80338847, ClinGen allele CA016622.
Genomic context (GRCh38, chr11:112,094,906, plus strand): 5'-CCTTGCAGAAAGCTGCCAAGGCAGGGCTTTTGGCACTTTCAGCTTTAACCTTTGCTGGGC[T>C]TTGCTATTTCAACTATCACGATGTGGGCATCTGCAAAGCTGTTGCCATGCTGTGGAAGCT-3'
Protein context (NP_002993.1, residues 129-149): LALSALTFAG[Leu139Pro]CYFNYHDVGI